The following is an entry in ClinVar:

ClinVar aggregate classification (germline): Uncertain significance (1 of 4 stars; one submission).

Allele frequency attached by ClinVar (database versions not stated): gnomAD exomes below 0.00001; TOPMed below 0.00001; gnomAD 0.00001; ExAC 0.00002.
gnomAD v4.1: 3 of 1,527,464 alleles (0.0002%); highest among the groups gnomAD compares: Non-Finnish European, 0.00026%; no homozygotes.

Submission:

Labcorp Genetics (formerly Invitae), Labcorp
Classification: Uncertain significance. Last evaluated: 2024-01-22. Review status: criteria provided, single submitter. Criteria: Invitae Variant Classification Sherloc (09022015). Collection method: clinical testing. Allele origin: germline.
Comment: This sequence change replaces leucine, which is neutral and non-polar, with proline, which is neutral and non-polar, at codon 16 of the CRAT protein (p.Leu16Pro). This variant is present in population databases (rs745309261, gnomAD 0.003%). This variant has not been reported in the literature in individuals affected with CRAT-related conditions. ClinVar contains an entry for this variant (Variation ID: 1976107). An algorithm developed to predict the effect of missense changes on protein structure and function (PolyPhen-2) suggests that this variant is likely to be disruptive. In summary, the available evidence is currently insufficient to determine the role of this variant in disease. Therefore, it has been classified as a Variant of Uncertain Significance.

NM_000755.5(CRAT):c.47T>C (p.Leu16Pro)

Gene: CRAT (carnitine O-acetyltransferase; minus strand). Cytogenetic location: 9q34.11.
Variant type: single nucleotide variant.
Coding change: c.47T>C on transcript NM_000755.5 (MANE Select); coding-DNA position 47, T replaced by C.
Protein change: p.Leu16Pro; replaces leucine 16 with proline.
Molecular consequence: missense variant. On other transcripts: 5 prime UTR variant (3).
Genome position (GRCh38, 1-based): chr9:129,108,058, A>G on the plus strand (T>C on the coding strand, the complement: CRAT is on the minus strand). VCF-style: chr9-129108058-A-G. GRCh37 (hg19) VCF-style: chr9-131870337-A-G.
Other names: c.-17T>C (NM_001257363.3, NM_001346548.2, NM_004003.4); c.50T>C, p.Leu17Pro (NM_001346546.2); c.47T>C, p.Leu16Pro (NM_001346547.2, NM_001346549.2); short protein forms L17P, L16P.
Identifiers: ClinVar variation 1976107 (VCV001976107.5), dbSNP rs745309261, ClinGen allele CA5275884.